The following is an entry in ClinVar:

ClinVar aggregate classification (germline): Likely benign. Review status: criteria provided, multiple submitters, no conflicts (2 of 4 stars). 2 submissions from 2 submitters: Likely benign (2). Last evaluated 2025-05-02.

Conditions:
Birt-Hogg-Dube syndrome. Also called: Birt Hogg Dubé syndrome. Identifiers: Orphanet 122, MedGen C0346010, MONDO:0800444.
Birt-Hogg-Dube syndrome 1 (BHD1). Also called: FIBROFOLLICULOMAS WITH TRICHODISCOMAS AND ACROCHORDONS. Identifiers: Orphanet 122, MedGen CN375946, MONDO:0800445, OMIM 135150.

Submissions (2):

Labcorp Genetics (formerly Invitae), Labcorp
Classification: Likely benign for Birt-Hogg-Dube syndrome. Last evaluated: 2025-05-02. Review status: criteria provided, single submitter. Criteria: Invitae Variant Classification Sherloc (09022015). Collection method: clinical testing. Allele origin: germline.

Myriad Genetics, Inc.
Classification: Likely benign for Birt-Hogg-Dube syndrome 1. Last evaluated: 2024-10-23. Review status: criteria provided, single submitter. Criteria: Myriad Autosomal Dominant, Autosomal Recessive and X-Linked Classification Criteria (2023). Collection method: clinical testing. Allele origin: unknown.
Comment: This variant is considered likely benign. This variant is intronic and is not expected to impact mRNA splicing.

NM_144997.7(FLCN):c.780-16G>T

Gene: FLCN (folliculin; minus strand). Cytogenetic location: 17p11.2.
Variant type: single nucleotide variant.
Coding change: c.780-16G>T on transcript NM_144997.7 (MANE Select); 16 bases into the intron before coding-DNA position 780, G replaced by T.
Molecular consequence: intron variant.
Genome position (GRCh38, 1-based): chr17:17,221,644, C>A on the plus strand (G>T on the coding strand, the complement: FLCN is on the minus strand). VCF-style: chr17-17221644-C-A. GRCh37 (hg19) VCF-style: chr17-17124958-C-A.
Other names: c.780-16G>T (NM_001353231.2, NM_001353230.2, NM_144606.7); c.834-16G>T (NM_001353229.2).
Identifiers: ClinVar variation 1575338 (VCV001575338.9), dbSNP rs2144935009, ClinGen allele CA2573153101.
Genomic context (GRCh38, chr17:17,221,644, plus strand): 5'-TCCAGGAGCTTCTCGGTCAGCCGGCTGCCACACGCCTTCAGGAGCCTGGAGAACACAGCA[C>A]CAGCTATGAGCGTTCTCGCCAAAGGAAAAAGCAAACCTGACGCTCACCCAGCCCCTGATC-3'